The following is an entry in ClinVar:

ClinVar aggregate classification (germline): Uncertain significance (1 of 4 stars; one submission).

Submission:

Women's Health and Genetics/Laboratory Corporation of America, LabCorp
Classification: Uncertain significance. Last evaluated: 2023-10-26. Review status: criteria provided, single submitter. Criteria: LabCorp Variant Classification Summary - May 2015. Collection method: clinical testing. Allele origin: germline.
Comment: Variant summary: HBA1 c.-3_-2delAC is located in the untranslated mRNA region upstream of the initiation codon. The variant allele was found at a frequency of 8.5e-06 in 234844 control chromosomes (gnomAD). The available data on variant occurrences in the general population are insufficient to allow any conclusion about variant significance. c.-3_-2delAC has been reported in the literature in individuals affected with hypochromia and microcytosis who also had a 3.7-kb deletion in cis (Viprakasit_2003). This report does not provide unequivocal conclusions about association of the variant with Alpha Thalassemia. At least one publication reports experimental evidence evaluating an impact on translation, finding that the variant results in a 30%-45% reduction in translation efficiency in vitro (Morle_1986). The following publications have been ascertained in the context of this evaluation (PMID: 12890155, 3703675). No submitters have cited clinical-significance assessments for this single variant to ClinVar after 2014. Based on the evidence outlined above, the variant was classified as uncertain significance.

Literature cited by the submitters: PubMed 3703675; PubMed 12890155.

NM_000558.5(HBA1):c.-3_-2del

Genes: HBA1 (hemoglobin subunit alpha 1; plus strand), LOC106804613 (hemoglobin subunit alpha 1 recombination region; plus strand). Cytogenetic location: 16p13.3.
Variant type: Deletion.
Coding change: c.-3_-2del on transcript NM_000558.5 (MANE Select); 3 bases upstream of the start codon through 2 bases upstream of the start codon, 2 bases deleted (AC; older notation c.-3_-2delAC).
Molecular consequence: 5 prime UTR variant.
Genome position (GRCh38, 1-based): chr16:176,714-176,715, AC deleted; deleting any 2 consecutive bases within chr16:176,713-176,715 gives the same sequence; the c. name uses the placement nearest the transcript's 3' end. VCF-style (leftmost placement, unchanged base first): chr16-176712-CCA-C. GRCh37 (hg19) VCF-style: chr16-226711-CCA-C.
Other names: c.-3_-2delAC (NM_000558.5).
Identifiers: ClinVar variation 2637483 (VCV002637483.1), dbSNP rs1191146518, ClinGen allele CA620161611.